The following is an entry in ClinVar:

NM_005045.4(RELN):c.8391C>G (p.Asp2797Glu)

Genes: RELN (reelin; minus strand), SLC26A5-AS1 (SLC26A5 antisense RNA 1; plus strand). Cytogenetic location: 7q22.1.
Variant type: single nucleotide variant.
Coding change: c.8391C>G on transcript NM_005045.4 (MANE Select); coding-DNA position 8391, C replaced by G.
Protein change: p.Asp2797Glu; replaces aspartic acid 2797 with glutamic acid.
Molecular consequence: missense variant.
Genome position (GRCh38, 1-based): chr7:103,503,114, G>C on the plus strand (C>G on the coding strand, the complement: RELN is on the minus strand). VCF-style: chr7-103503114-G-C. GRCh37 (hg19) VCF-style: chr7-103143561-G-C.
Other names: c.8391C>G, p.Asp2797Glu (NM_173054.3); short protein forms D2797E.
Identifiers: ClinVar variation 1053509 (VCV001053509.10), dbSNP rs1829089585, ClinGen allele CA368757235.
Genomic context (GRCh38, chr7:103,503,114, plus strand): 5'-TTTCCACCCTTTAGTTGGAAAGAATACAGATGGCTGAGAAACACTTCCAGAGCATTTTGG[G>C]TCAGCAGGCAAGCACTGAGGGACCAGATAATTCCAACTCACACCGAAGTCAGTAGAATAC-3'
Protein context (NP_005036.2, residues 2787-2807): NYLVPQCLPA[Asp2797Glu]PKCSGSVSQP

ClinVar aggregate classification (germline): Uncertain significance (1 of 4 stars; one submission).

Conditions:
Norman-Roberts syndrome (LIS2). Also called: Lissencephaly 2 (Norman-Roberts type). Identifiers: Orphanet 89844, MedGen C0796089, MONDO:0009760, OMIM 257320.
Familial temporal lobe epilepsy 7. Identifiers: Orphanet 101046, MedGen C4225327, MONDO:0014639, OMIM 616436.

Allele frequency attached by ClinVar (database versions not stated): TOPMed 0.00001.
gnomAD v4.1: 4 of 1,614,126 alleles (0.00025%); highest among the groups gnomAD compares: Non-Finnish European, 0.00034%; no homozygotes.

Submission:

Labcorp Genetics (formerly Invitae), Labcorp
Classification: Uncertain significance for Familial temporal lobe epilepsy 7; Norman-Roberts syndrome. Last evaluated: 2024-04-15. Review status: criteria provided, single submitter. Criteria: Invitae Variant Classification Sherloc (09022015). Collection method: clinical testing. Allele origin: germline.
Comment: This sequence change replaces aspartic acid, which is acidic and polar, with glutamic acid, which is acidic and polar, at codon 2797 of the RELN protein (p.Asp2797Glu). This variant is not present in population databases (gnomAD no frequency). This variant has not been reported in the literature in individuals affected with RELN-related conditions. ClinVar contains an entry for this variant (Variation ID: 1053509). Advanced modeling of protein sequence and biophysical properties (such as structural, functional, and spatial information, amino acid conservation, physicochemical variation, residue mobility, and thermodynamic stability) performed at Invitae indicates that this missense variant is not expected to disrupt RELN protein function with a negative predictive value of 80%. In summary, the available evidence is currently insufficient to determine the role of this variant in disease. Therefore, it has been classified as a Variant of Uncertain Significance.